The following is an entry in ClinVar:

ClinVar aggregate classification (germline): Uncertain significance. Review status: criteria provided, multiple submitters, no conflicts (2 of 4 stars). 2 submissions from 2 submitters: Uncertain significance (2). Last evaluated 2024-03-06.

Conditions:
Aortic aneurysm, familial thoracic 4 (AAT4). Also called: AORTIC ANEURYSM/AORTIC DISSECTION AND PATENT DUCTUS ARTERIOSUS. Identifiers: MedGen C1851504, MONDO:0007568, OMIM 132900.
Familial thoracic aortic aneurysm and aortic dissection (TAAD). Also called: Thoracic aortic aneurysms and dissections. Identifiers: Orphanet 91387, MedGen C4707243, MONDO:0019625.

Submissions (2):

Color Diagnostics, LLC DBA Color Health
Classification: Uncertain significance for Familial thoracic aortic aneurysm and aortic dissection. Last evaluated: 2024-03-06. Review status: criteria provided, single submitter. Criteria: ACMG Guidelines, 2015. Collection method: clinical testing. Allele origin: germline.
Comment: This missense variant replaces serine with glycine at codon 1354 of the MYH11 protein. Computational prediction suggests that this variant may not impact protein structure and function (internally defined REVEL score threshold <= 0.5, PMID: 27666373). To our knowledge, functional studies have not been reported for this variant. This variant has not been reported in individuals affected with cardiovascular disorders in the literature. This variant has not been identified in the general population by the Genome Aggregation Database (gnomAD). The available evidence is insufficient to determine the role of this variant in disease conclusively. Therefore, this variant is classified as a Variant of Uncertain Significance.

Labcorp Genetics (formerly Invitae), Labcorp
Classification: Uncertain significance for Aortic aneurysm, familial thoracic 4. Last evaluated: 2022-08-16. Review status: criteria provided, single submitter. Criteria: Invitae Variant Classification Sherloc (09022015). Collection method: clinical testing. Allele origin: germline.
Comment: This variant is not present in population databases (gnomAD no frequency). In summary, the available evidence is currently insufficient to determine the role of this variant in disease. Therefore, it has been classified as a Variant of Uncertain Significance. Algorithms developed to predict the effect of missense changes on protein structure and function (SIFT, PolyPhen-2, Align-GVGD) all suggest that this variant is likely to be tolerated. ClinVar contains an entry for this variant (Variation ID: 1056760). This variant has not been reported in the literature in individuals affected with MYH11-related conditions. This sequence change replaces serine, which is neutral and polar, with glycine, which is neutral and non-polar, at codon 1354 of the MYH11 protein (p.Ser1354Gly).

NM_002474.3(MYH11):c.4039A>G (p.Ser1347Gly)

Genes: MYH11 (myosin heavy chain 11; minus strand), NDE1 (nudE neurodevelopment protein 1; plus strand). Cytogenetic location: 16p13.11.
Variant type: single nucleotide variant.
Coding change: c.4039A>G on transcript NM_002474.3 (MANE Select); coding-DNA position 4039, A replaced by G.
Protein change: p.Ser1347Gly; replaces serine 1347 with glycine.
Molecular consequence: missense variant. On other transcripts: 3 prime UTR variant (2).
Genome position (GRCh38, 1-based): chr16:15,724,724, T>C on the plus strand (A>G on the coding strand, the complement: MYH11 is on the minus strand). VCF-style: chr16-15724724-T-C. GRCh37 (hg19) VCF-style: chr16-15818581-T-C.
Other names: c.4060A>G, p.Ser1354Gly (NM_001040113.2, NM_001040114.2); c.4039A>G, p.Ser1347Gly (NM_022844.3); c.*473T>C (NM_001143979.2, NM_017668.3); short protein forms S1347G, S1354G.
Identifiers: ClinVar variation 1056760 (VCV001056760.11), dbSNP rs2151219347, ClinGen allele CA394858364.